The following is an entry in ClinVar:

ClinVar aggregate classification (germline): Uncertain significance (1 of 4 stars; one submission).

Conditions:
Cardiovascular phenotype. Identifiers: MedGen CN230736.

Submission:

Ambry Genetics
Classification: Uncertain significance for Cardiovascular phenotype. Last evaluated: 2021-02-05. Review status: criteria provided, single submitter. Criteria: Ambry Variant Classification Scheme 2023. Collection method: clinical testing. Allele origin: germline.
Comment: The p.E677D variant (also known as c.2031G>T), located in coding exon 9 of the RBM20 gene, results from a G to T substitution at nucleotide position 2031. The glutamic acid at codon 677 is replaced by aspartic acid, an amino acid with highly similar properties. This amino acid position is not well conserved in available vertebrate species, and aspartic acid is the reference amino acid in other vertebrate species. In addition, this alteration is predicted to be tolerated by in silico analysis. Since supporting evidence is limited at this time, the clinical significance of this alteration remains unclear.

NM_001134363.3(RBM20):c.2031G>T (p.Glu677Asp)

Gene: RBM20 (RNA binding motif protein 20; plus strand). Cytogenetic location: 10q25.2.
Variant type: single nucleotide variant.
Coding change: c.2031G>T on transcript NM_001134363.3 (MANE Select); coding-DNA position 2031, G replaced by T.
Protein change: p.Glu677Asp; replaces glutamic acid 677 with aspartic acid.
Molecular consequence: missense variant.
Genome position (GRCh38, 1-based): chr10:110,812,428, G>T. VCF-style: chr10-110812428-G-T. GRCh37 (hg19) VCF-style: chr10-112572186-G-T.
Other names: short protein forms E677D.
Identifiers: ClinVar variation 1784768 (VCV001784768.2), dbSNP rs1177135320, ClinGen allele CA378371037.